The following is an entry in ClinVar:

ClinVar aggregate classification (germline): Uncertain significance (1 of 4 stars; one submission).

Conditions:
Brugada syndrome 8 (BRGDA8). Identifiers: Orphanet 130, MedGen C2751083, MONDO:0013148, OMIM 613123.

Allele frequency attached by ClinVar (database versions not stated): gnomAD exomes below 0.00001.
gnomAD v4.1: 5 of 1,370,636 alleles (0.00036%); highest among the groups gnomAD compares: African/African-American, 0.0015%; no homozygotes.

Submission:

Labcorp Genetics (formerly Invitae), Labcorp
Classification: Uncertain significance for Brugada syndrome 8. Last evaluated: 2023-11-17. Review status: criteria provided, single submitter. Criteria: Invitae Variant Classification Sherloc (09022015). Collection method: clinical testing. Allele origin: germline.
Comment: This sequence change replaces serine, which is neutral and polar, with asparagine, which is neutral and polar, at codon 115 of the HCN4 protein (p.Ser115Asn). This variant is not present in population databases (gnomAD no frequency). This variant has not been reported in the literature in individuals affected with HCN4-related conditions. Advanced modeling of protein sequence and biophysical properties (such as structural, functional, and spatial information, amino acid conservation, physicochemical variation, residue mobility, and thermodynamic stability) performed at Invitae indicates that this missense variant is not expected to disrupt HCN4 protein function with a negative predictive value of 95%. In summary, the available evidence is currently insufficient to determine the role of this variant in disease. Therefore, it has been classified as a Variant of Uncertain Significance.

NM_005477.3(HCN4):c.344G>A (p.Ser115Asn)

Gene: HCN4 (hyperpolarization activated cyclic nucleotide gated potassium channel 4; minus strand). Cytogenetic location: 15q24.1.
Variant type: single nucleotide variant.
Coding change: c.344G>A on transcript NM_005477.3 (MANE Select); coding-DNA position 344, G replaced by A.
Protein change: p.Ser115Asn; replaces serine 115 with asparagine.
Molecular consequence: missense variant.
Genome position (GRCh38, 1-based): chr15:73,367,927, C>T on the plus strand (G>A on the coding strand, the complement: HCN4 is on the minus strand). VCF-style: chr15-73367927-C-T. GRCh37 (hg19) VCF-style: chr15-73660268-C-T.
Other names: short protein forms S115N.
Identifiers: ClinVar variation 2805328 (VCV002805328.3), dbSNP rs2549080471, ClinGen allele CA393098321.